The following is an entry in ClinVar:

NM_018685.5(ANLN):c.228A>C (p.Glu76Asp)

Gene: ANLN (anillin, actin binding protein; plus strand). Cytogenetic location: 7p14.2.
Variant type: single nucleotide variant.
Coding change: c.228A>C on transcript NM_018685.5 (MANE Select); coding-DNA position 228, A replaced by C.
Protein change: p.Glu76Asp; replaces glutamic acid 76 with aspartic acid.
Molecular consequence: missense variant.
Genome position (GRCh38, 1-based): chr7:36,399,134, A>C. VCF-style: chr7-36399134-A-C. GRCh37 (hg19) VCF-style: chr7-36438743-A-C.
Other names: c.228A>C, p.Glu76Asp (NM_001284301.3, NM_001284302.3); c.228A>C (NM_018685.2); short protein forms E76D.
Identifiers: ClinVar variation 1950968 (VCV001950968.6), dbSNP rs1478288672, ClinGen allele CA367204221.

ClinVar aggregate classification (germline): Uncertain significance. Review status: criteria provided, multiple submitters, no conflicts (2 of 4 stars). 2 submissions from 2 submitters: Uncertain significance (2). Last evaluated 2025-02-19.

Allele frequency attached by ClinVar (database versions not stated): TOPMed below 0.00001.
gnomAD v4.1: 5 of 1,614,180 alleles (0.00031%); highest among the groups gnomAD compares: Admixed American, 0.005%; no homozygotes.

Submissions (2):

Ambry Genetics
Classification: Uncertain significance. Last evaluated: 2025-02-19. Review status: criteria provided, single submitter. Criteria: Ambry Variant Classification Scheme 2023. Collection method: clinical testing. Allele origin: germline.

Labcorp Genetics (formerly Invitae), Labcorp
Classification: Uncertain significance. Last evaluated: 2022-07-26. Review status: criteria provided, single submitter. Criteria: Invitae Variant Classification Sherloc (09022015). Collection method: clinical testing. Allele origin: germline.
Comment: This variant is present in population databases (no rsID available, gnomAD 0.009%). In summary, the available evidence is currently insufficient to determine the role of this variant in disease. Therefore, it has been classified as a Variant of Uncertain Significance. Algorithms developed to predict the effect of missense changes on protein structure and function (SIFT, PolyPhen-2, Align-GVGD) all suggest that this variant is likely to be tolerated. This variant has not been reported in the literature in individuals affected with ANLN-related conditions. This sequence change replaces glutamic acid, which is acidic and polar, with aspartic acid, which is acidic and polar, at codon 76 of the ANLN protein (p.Glu76Asp).